The following is an entry in ClinVar:

NM_000268.4(NF2):c.1340+2T>G

Gene: NF2 (NF2, moesin-ezrin-radixin like (MERLIN) tumor suppressor; plus strand). Cytogenetic location: 22q12.2.
Variant type: single nucleotide variant.
Coding change: c.1340+2T>G on transcript NM_000268.4 (MANE Select); the canonical splice donor site of the intron after coding-DNA position 1340, T replaced by G.
Molecular consequence: splice donor variant. On other transcripts: intron variant (1).
Genome position (GRCh38, 1-based): chr22:29,673,488, T>G. VCF-style: chr22-29673488-T-G. GRCh37 (hg19) VCF-style: chr22-30069477-T-G.
Other names: c.1340+2T>G (NM_016418.5, NM_181832.3, NM_001407060.1 and 2 more transcripts); c.1226+2T>G (NM_001407056.1, NM_001407053.1); c.1109+2T>G (NM_001407067.1); c.806+2T>G (NM_001407065.1); c.1205+2T>G (NM_001407059.1, NM_001407057.1); c.448-21264T>G (NM_181833.3); c.1217+2T>G (NM_001407058.1, NM_181829.3, NM_001407054.1); c.1082+2T>G (NM_001407062.1); and 2 more.
Identifiers: ClinVar variation 803675 (VCV000803675.8), dbSNP rs1601649049, ClinGen allele CA411148752.
Genomic context (GRCh38, chr22:29,673,488, plus strand): 5'-CAGAAGGTGCTGGAAGCCGAGGTGCTGGCACTGAAGATGGCTGAGGAGTCAGAGAGGAGG[T>G]GAGGGGGCACCGGGCACCAGACTGGCGAGGAGGCTGGCGAAGGGCCGCAGACCAGCCTGC-3'

ClinVar aggregate classification (germline): Pathogenic. Review status: criteria provided, multiple submitters, no conflicts (2 of 4 stars). 3 submissions from 3 submitters: Pathogenic (3). Last evaluated 2025-02-26.

Conditions:
Neurofibromatosis, type 2 (SWNV). Also called: BILATERAL ACOUSTIC NEUROFIBROMATOSIS; NF2-Related Schwannomatosis; SCHWANNOMATOSIS, VESTIBULAR. Identifiers: Orphanet 637, MedGen C0027832, MONDO:0007039, OMIM 101000. Disease mechanism: loss of function.

Submissions (3):

GeneDx
Classification: Pathogenic. Last evaluated: 2025-02-26. Review status: criteria provided, single submitter. Criteria: GeneDx Variant Classification Process June 2021. Collection method: clinical testing. Allele origin: germline. Affected: yes.
Comment: Identified in patients with features of NF2-related neurofibromatosis in published literature (PMID: 31089872, 15684865); Not observed at significant frequency in large population cohorts (gnomAD); Canonical splice site variant predicted to result in a null allele in a gene for which loss-of-function is a known mechanism of disease; This variant is associated with the following publications: (PMID: 25525159, 15684865, 31089872, 28409725, 16983642)

Labcorp Genetics (formerly Invitae), Labcorp
Classification: Pathogenic for Neurofibromatosis, type 2. Last evaluated: 2021-10-25. Review status: criteria provided, single submitter. Criteria: Invitae Variant Classification Sherloc (09022015). Collection method: clinical testing. Allele origin: germline.
Comment: For these reasons, this variant has been classified as Pathogenic. Algorithms developed to predict the effect of sequence changes on RNA splicing suggest that this variant may disrupt the consensus splice site. ClinVar contains an entry for this variant (Variation ID: 803675). Disruption of this splice site has been observed in individuals with clinical features of neurofibromatosis type 2 (PMID: 7535084, 15684865; Invitae). This variant is not present in population databases (gnomAD no frequency). This sequence change affects a donor splice site in intron 12 of the NF2 gene. It is expected to disrupt RNA splicing. Variants that disrupt the donor or acceptor splice site typically lead to a loss of protein function (PMID: 16199547), and loss-of-function variants in NF2 are known to be pathogenic (PMID: 9643284, 16983642).

Mendelics
Classification: Pathogenic for Neurofibromatosis, type 2. Last evaluated: 2019-05-28. Review status: criteria provided, single submitter. Criteria: Mendelics Assertion Criteria 2017. Collection method: clinical testing. Allele origin: unknown.

Literature cited by the submitters: PubMed 7535084 (cited by Labcorp Genetics (formerly Invitae), Labcorp); PubMed 15684865 (cited by Labcorp Genetics (formerly Invitae), Labcorp); PubMed 16199547 (cited by Labcorp Genetics (formerly Invitae), Labcorp); PubMed 9643284 (cited by Labcorp Genetics (formerly Invitae), Labcorp); PubMed 16983642 (cited by Labcorp Genetics (formerly Invitae), Labcorp).